The following is an entry in ClinVar:

ClinVar aggregate classification (germline): Pathogenic/Likely pathogenic. Review status: criteria provided, multiple submitters, no conflicts (2 of 4 stars). 2 submissions from 2 submitters: Pathogenic (1); Likely pathogenic (1). Last evaluated 2025-04-13.

Conditions:
Joubert syndrome. Also called: CEREBELLOPARENCHYMAL DISORDER IV; JOUBERT-BOLTSHAUSER SYNDROME; Familial aplasia of the vermis. Identifiers: Orphanet 475, MedGen C5979921, MONDO:0018772.
Meckel-Gruber syndrome. Also called: DYSENCEPHALIA SPLANCHNOCYSTICA; GRUBER SYNDROME; Dysencephalia splachnocystica. Identifiers: Orphanet 564, MedGen C0265215, MONDO:0018921.

Submissions (2):

Natera, Inc.
Classification: Likely pathogenic for Joubert syndrome. Last evaluated: 2025-04-13. Review status: criteria provided, single submitter. Criteria: Natera Variant Classification Schema (03/2026). Collection method: clinical testing. Allele origin: germline.
Comment: The c.839del variant in RPGRIP1L is a frameshift variant predicted to shift the reading frame beginning at codon 280 and leads to a stop codon 27 codons downstream. This variant is expected to result in nonsense mediated decay, truncation, or a dysfunctional protein product. This variant is rare in the general population with a frequency below the threshold expected for the associated phenotype(s). Given the available evidence, this variant is classified as Likely Pathogenic.

Labcorp Genetics (formerly Invitae), Labcorp
Classification: Pathogenic for Joubert syndrome; Meckel-Gruber syndrome. Last evaluated: 2022-08-08. Review status: criteria provided, single submitter. Criteria: Invitae Variant Classification Sherloc (09022015). Collection method: clinical testing. Allele origin: germline.
Comment: For these reasons, this variant has been classified as Pathogenic. This variant has not been reported in the literature in individuals affected with RPGRIP1L-related conditions. This variant is not present in population databases (gnomAD no frequency). This sequence change creates a premature translational stop signal (p.Asn280Metfs*27) in the RPGRIP1L gene. It is expected to result in an absent or disrupted protein product. Loss-of-function variants in RPGRIP1L are known to be pathogenic (PMID: 17558409).

Literature cited by the submitters: PubMed 17558409 (cited by Labcorp Genetics (formerly Invitae), Labcorp).

NM_015272.5(RPGRIP1L):c.839del (p.Asn280fs)

Gene: RPGRIP1L (RPGRIP1 like; minus strand). Cytogenetic location: 16q12.2.
Variant type: Deletion.
Coding change: c.839del on transcript NM_015272.5 (MANE Select); coding-DNA position 839, one base deleted (A; older notation c.839delA).
Protein change: p.Asn280fs; shifts the reading frame from asparagine 280.
Molecular consequence: frameshift variant.
Genome position (GRCh38, 1-based): chr16:53,675,060, T deleted on the plus strand (A on the coding strand, the reverse complement: RPGRIP1L is on the minus strand); the first of 2 consecutive T bases (chr16:53,675,060-53,675,061); deleting either gives the same sequence. VCF-style (leftmost placement, unchanged base first): chr16-53675059-AT-A. GRCh37 (hg19) VCF-style: chr16-53708971-AT-A.
Other names: c.839del (NM_015272.4); c.839del, p.Asn280fs (NM_001127897.4, NM_001308334.3, NM_001330538.2); short protein forms N280fs.
Identifiers: ClinVar variation 2022740 (VCV002022740.6), dbSNP rs2544514428, ClinGen allele CA2580091607.
Genomic context (GRCh38, chr16:53,675,059, plus strand): 5'-AATAAATTATCACTGTACCTCTTGAAGCTGAATAAATTTTCCTTCCATTGCTGAAAGAGC[AT>A]TGCTTTTCTCTACTAGCTGTTTATGAAGCTTAATCATTTCTACATTGTCCCGAATATTTG-3'